The following is an entry in ClinVar:

NM_013275.6(ANKRD11):c.6784G>A (p.Gly2262Ser)

Gene: ANKRD11 (ankyrin repeat domain 11; minus strand). Cytogenetic location: 16q24.3.
Variant type: single nucleotide variant.
Coding change: c.6784G>A on transcript NM_013275.6 (MANE Select); coding-DNA position 6784, G replaced by A.
Protein change: p.Gly2262Ser; replaces glycine 2262 with serine.
Molecular consequence: missense variant.
Genome position (GRCh38, 1-based): chr16:89,279,758, C>T on the plus strand (G>A on the coding strand, the complement: ANKRD11 is on the minus strand). VCF-style: chr16-89279758-C-T. GRCh37 (hg19) VCF-style: chr16-89346166-C-T.
Other names: c.6784G>A, p.Gly2262Ser (NM_001256182.2, NM_001256183.2); short protein forms G2262S.
Identifiers: ClinVar variation 3685500 (VCV003685500.2).

ClinVar aggregate classification (germline): Uncertain significance (1 of 4 stars; one submission).

Conditions:
KBG syndrome (KBGS). Also called: ANKRD11-Related KBG Syndrome. Identifiers: Orphanet 2332, MedGen C0220687, MONDO:0007846, OMIM 148050.

Submission:

Labcorp Genetics (formerly Invitae), Labcorp
Classification: Uncertain significance for KBG syndrome. Last evaluated: 2024-05-23. Review status: criteria provided, single submitter. Criteria: Invitae Variant Classification Sherloc (09022015). Collection method: clinical testing. Allele origin: germline.
Comment: This sequence change replaces glycine, which is neutral and non-polar, with serine, which is neutral and polar, at codon 2262 of the ANKRD11 protein (p.Gly2262Ser). This variant is not present in population databases (gnomAD no frequency). This variant has not been reported in the literature in individuals affected with ANKRD11-related conditions. Advanced modeling of protein sequence and biophysical properties (such as structural, functional, and spatial information, amino acid conservation, physicochemical variation, residue mobility, and thermodynamic stability) performed at Invitae indicates that this missense variant is not expected to disrupt ANKRD11 protein function with a negative predictive value of 95%. In summary, the available evidence is currently insufficient to determine the role of this variant in disease. Therefore, it has been classified as a Variant of Uncertain Significance.